The following is an entry in ClinVar:

ClinVar aggregate classification (germline): Uncertain significance (1 of 4 stars; one submission).

Conditions:
Inborn genetic diseases. Identifiers: MedGen C0950123, MeSH D030342.

gnomAD v4.1: 14 of 1,614,110 alleles (0.00087%); highest among the groups gnomAD compares: Non-Finnish European, 0.0012%; no homozygotes.

Submission:

Ambry Genetics
Classification: Uncertain significance for Inborn genetic diseases. Last evaluated: 2024-11-21. Review status: criteria provided, single submitter. Criteria: Ambry Variant Classification Scheme 2023. Collection method: clinical testing. Allele origin: germline.
Comment: The p.N254S variant (also known as c.761A>G), located in coding exon 5 of the MECOM gene, results from an A to G substitution at nucleotide position 761. The asparagine at codon 254 is replaced by serine, an amino acid with highly similar properties. This amino acid position is conserved. In addition, this alteration is predicted to be tolerated by in silico analysis. Based on the available evidence, the clinical significance of this variant remains unclear.

NM_004991.4(MECOM):c.761A>G (p.Asn254Ser)

Gene: MECOM (MDS1 and EVI1 complex locus; minus strand). Cytogenetic location: 3q26.2.
Variant type: single nucleotide variant.
Coding change: c.761A>G on transcript NM_004991.4 (MANE Select); coding-DNA position 761, A replaced by G.
Protein change: p.Asn254Ser; replaces asparagine 254 with serine.
Molecular consequence: missense variant.
Genome position (GRCh38, 1-based): chr3:169,127,913, T>C on the plus strand (A>G on the coding strand, the complement: MECOM is on the minus strand). VCF-style: chr3-169127913-T-C. GRCh37 (hg19) VCF-style: chr3-168845701-T-C.
Other names: c.389A>G, p.Asn130Ser (NM_001105077.4); c.197A>G, p.Asn66Ser (NM_001105078.4, NM_001163999.2, NM_001164000.2 and 9 more transcripts); c.761A>G, p.Asn254Ser (NM_001366466.2, NM_001366473.2); short protein forms N130S, N254S, N66S.
Identifiers: ClinVar variation 3394265 (VCV003394265.1).